The following is an entry in ClinVar:

ClinVar aggregate classification (germline): Uncertain significance. Review status: criteria provided, multiple submitters, no conflicts (2 of 4 stars). 2 submissions from 2 submitters: Uncertain significance (2). Last evaluated 2026-08-22.

Conditions:
RASopathy. Also called: rasopathies; Noonan spectrum disorder. Identifiers: Orphanet 536391, MedGen C5555857, MONDO:0021060.

Submissions (2):

GeneDx
Classification: Uncertain significance. Last evaluated: 2026-08-22. Review status: criteria provided, single submitter. Criteria: GeneDx Variant Classification Process June 2021. Collection method: clinical testing. Allele origin: germline.
Comment: Not observed at significant frequency in large population cohorts (gnomAD); Missense variants in this gene are a common cause of disease and they are underrepresented in the general population; In silico analysis supports that this missense variant has a deleterious effect on protein structure/function; Has not been previously published as pathogenic or benign to our knowledge; This variant is associated with the following publications: (PMID: 29493581)

Labcorp Genetics (formerly Invitae), Labcorp
Classification: Uncertain significance for RASopathy. Last evaluated: 2023-12-25. Review status: criteria provided, single submitter. Criteria: Invitae Variant Classification Sherloc (09022015). Collection method: clinical testing. Allele origin: germline.
Comment: This sequence change replaces asparagine, which is neutral and polar, with threonine, which is neutral and polar, at codon 10 of the PTPN11 protein (p.Asn10Thr). This variant is not present in population databases (gnomAD no frequency). This variant has not been reported in the literature in individuals affected with PTPN11-related conditions. Advanced modeling of protein sequence and biophysical properties (such as structural, functional, and spatial information, amino acid conservation, physicochemical variation, residue mobility, and thermodynamic stability) performed at Invitae indicates that this missense variant is expected to disrupt PTPN11 protein function with a positive predictive value of 95%. In summary, the available evidence is currently insufficient to determine the role of this variant in disease. Therefore, it has been classified as a Variant of Uncertain Significance.

NM_002834.5(PTPN11):c.29A>C (p.Asn10Thr)

Gene: PTPN11 (protein tyrosine phosphatase non-receptor type 11; plus strand). Cytogenetic location: 12q24.13.
Variant type: single nucleotide variant.
Coding change: c.29A>C on transcript NM_002834.5 (MANE Select); coding-DNA position 29, A replaced by C.
Protein change: p.Asn10Thr; replaces asparagine 10 with threonine.
Molecular consequence: missense variant.
Genome position (GRCh38, 1-based): chr12:112,446,290, A>C. VCF-style: chr12-112446290-A-C. GRCh37 (hg19) VCF-style: chr12-112884094-A-C.
Other names: c.29A>C, p.Asn10Thr (NM_001330437.2, NM_001374625.1, NM_080601.3); short protein forms N10T.
Identifiers: ClinVar variation 2705464 (VCV002705464.4), dbSNP rs200613531, ClinGen allele CA386776146.
Genomic context (GRCh38, chr12:112,446,290, plus strand): 5'-GACAGTGTCTTGTTTTTTTATTACTTACTTTGTCTTTCTTTTTAAGATGGTTTCACCCAA[A>C]TATCACTGGTGTGGAGGCAGAAAACCTACTGTTGACAAGAGGAGTTGATGGCAGTTTTTT-3'
Protein context (NP_002825.3, residues 1-20): MTSRRWFHP[Asn10Thr]ITGVEAENLL